The following is an entry in ClinVar:

ClinVar aggregate classification (germline): Likely benign. Review status: reviewed by expert panel (3 of 4 stars). 5 submissions from 5 submitters: Likely benign (1). 4 of the submissions do not count toward it. Last evaluated 2023-06-16.

Conditions:
Angelman syndrome (AS). Also called: HAPPY PUPPET SYNDROME. Identifiers: Orphanet 72, MedGen C0162635, MONDO:0007113, OMIM 105830. Disease mechanism: loss of function. Inheritance: imprinting disorder, AS is caused by disruption of maternally imprinted UBE3A located within the 15q11.2-q13 Angelman syndrome/Prader-Willi syndrome (AS/PWS) region..

Allele frequency attached by ClinVar (database versions not stated): ExAC 0.00002; gnomAD exomes 0.00002 and 0.00003; TOPMed 0.00002; gnomAD 0.00004.
gnomAD v4.1: 44 of 1,613,638 alleles (0.0027%); highest among the groups gnomAD compares: African/African-American, 0.0053%; no homozygotes.

Submissions (6):

ClinGen Rett and Angelman-like Disorders Variant Curation Expert Panel
Classification: Likely benign for Angelman syndrome. Last evaluated: 2023-06-16. Review status: reviewed by expert panel. Criteria: ClinGen RettAS ACMG Specifications UBE3A V4.0.0. Collection method: curation. Allele origin: germline. Inheritance: Autosomal dominant inheritance.
Comment: The allele frequency of the c.1668G>A p.Val556= variant in UBE3A (NM_130838.2) is 0.008% in the African/African American sub population in gnomAD, which is high enough to meet the BS1 criteria based on thresholds defined by the ClinGen Rett/Angelman-like Expert Panel for Rett/AS-like conditions (BS1). The silent p.Val556= variant is not predicted to affect splicing using multiple computational tools and does not affect a highly conserved nucleotide (BP4, BP7). In summary, the c.1668G>A p.Val556= variant in UBE3A is classified as Likely Benign based on the ACMG/AMP criteria (BS1, BP4, BP7).

Labcorp Genetics (formerly Invitae), Labcorp
Classification: Likely benign for Angelman syndrome. Last evaluated: 2025-01-30. Review status: criteria provided, single submitter. Criteria: Invitae Variant Classification Sherloc (09022015). Collection method: clinical testing. Allele origin: germline. Not counted in ClinVar's aggregate classification.

Blueprint Genetics
Classification: Likely benign. Last evaluated: 2024-11-08. Review status: criteria provided, single submitter. Criteria: ACMG Guidelines, 2015. Collection method: clinical testing. Allele origin: germline. Not counted in ClinVar's aggregate classification.

GeneDx
Classification: Likely benign. Last evaluated: 2018-05-23. Review status: criteria provided, single submitter. Criteria: GeneDx Variant Classification (06012015). Collection method: clinical testing. Allele origin: germline. Affected: yes. Not counted in ClinVar's aggregate classification.
Comment: This variant is considered likely benign or benign based on one or more of the following criteria: it is a conservative change, it occurs at a poorly conserved position in the protein, it is predicted to be benign by multiple in silico algorithms, and/or has population frequency not consistent with disease.

Eurofins Ntd Llc (ga)
Classification: Uncertain significance. Last evaluated: 2015-06-12. Review status: criteria provided, single submitter. Criteria: EGL Classification Definitions 2015. Collection method: clinical testing. Allele origin: germline. Observed: 1 variant allele, 1 heterozygote. Not counted in ClinVar's aggregate classification.

Dr. Peter K. Rogan Lab, Western University
No classification provided (evidence only). Condition: Familial prostate cancer. Review status: no classification provided. Collection method: in vitro. Allele origin: not applicable. Functional consequence: retained intron. Not counted in ClinVar's aggregate classification.

NM_130839.5(UBE3A):c.1728G>A (p.Val576=)

Genes: SNHG14 (small nucleolar RNA host gene 14; plus strand), UBE3A (ubiquitin protein ligase E3A; minus strand). Cytogenetic location: 15q11.2.
Variant type: single nucleotide variant.
Coding change: c.1728G>A on transcript NM_130839.5 (MANE Select); coding-DNA position 1728, G replaced by A.
Protein change: p.Val576=; no amino-acid change (valine 576 retained).
Molecular consequence: synonymous variant. On other transcripts: non-coding transcript variant (1).
Genome position (GRCh38, 1-based): chr15:25,360,408, C>T on the plus strand (G>A on the coding strand, the complement: UBE3A is on the minus strand). VCF-style: chr15-25360408-C-T. GRCh37 (hg19) VCF-style: chr15-25605555-C-T.
Other names: NM_130839.5(UBE3A):c.1728G>A; p.Val576=; c.1737G>A, p.Val579= (NM_000462.5); c.1728G>A, p.Val576= (NM_001354505.1, NM_001354538.2, NM_001354545.2); c.1668G>A, p.Val556= (NM_001354506.2, NM_001354507.2, NM_001354508.2 and 17 more transcripts); c.1551G>A, p.Val517= (NM_001354546.2); c.477G>A, p.Val159= (NM_001354550.2); c.417G>A, p.Val139= (NM_001354551.2).
Identifiers: ClinVar variation 281397 (VCV000281397.14), dbSNP rs749731066, ClinGen allele CA7435505.